The following is an entry in ClinVar:

ClinVar aggregate classification (germline): Conflicting classifications of pathogenicity. Review status: criteria provided, conflicting classifications (1 of 4 stars). 4 submissions from 4 submitters: Likely pathogenic (1); Uncertain significance (3). Last evaluated 2026-06-11.

Conditions:
Oculocutaneous albinism type 1. Also called: Albinism 1; ALBINISM I. Identifiers: Orphanet 352731, MedGen C0268494, MONDO:0018135. Disease mechanism: loss of function.

Allele frequency attached by ClinVar (database versions not stated): gnomAD 0.00001; TOPMed 0.00001.
gnomAD v4.1: 2 of 1,614,082 alleles (0.00012%); highest among the groups gnomAD compares: African/African-American, 0.0013%; no homozygotes.

Submissions (4):

Myriad Genetics, Inc.
Classification: Likely pathogenic for Oculocutaneous albinism type 1. Last evaluated: 2026-06-11. Review status: criteria provided, single submitter. Criteria: Myriad Autosomal Dominant, Autosomal Recessive and X-Linked Classification Criteria (2023). Collection method: clinical testing. Allele origin: unknown.
Comment: NM_000372.4(TYR):c.26T>C(L9P) is a missense variant classified as likely pathogenic in the context of oculocutaneous albinism, TYR-related. L9P has been observed in a case with relevant disease (PMID: 13680365). Relevant functional assessments of this variant are available in the literature (PMID: 35413289, 27537549). L9P has not been observed in referenced population frequency databases. In summary, NM_000372.4(TYR):c.26T>C(L9P) is a missense variant that has functional support for pathogenicity and has been observed more frequently in cases with the relevant disease than in healthy populations. Please note: this variant was assessed in the context of healthy population screening.

Women's Health and Genetics/Laboratory Corporation of America, LabCorp
Classification: Uncertain significance. Last evaluated: 2024-03-18. Review status: criteria provided, single submitter. Criteria: LabCorp Variant Classification Summary - May 2015. Collection method: clinical testing. Allele origin: germline.
Comment: Variant summary: TYR c.26T>C (p.Leu9Pro) results in a non-conservative amino acid change in the encoded protein sequence. Five of five in-silico tools predict a damaging effect of the variant on protein function. The variant was absent in 251454 control chromosomes (gnomAD). c.26T>C has been reported in the literature in at least one compound heterozygous individual affected with Oculocutaneous Albinism (e.g., King_2003). These data do not allow any conclusion about variant significance. At least two publications report experimental evidence evaluating an impact on protein function, finding that the variant results in <10% of normal tyrosine hydroxylase dopa oxidase activities, likely due to retention in the endoplasmic reticulum (e.g., Mondal_2016, Li_2022). The following publications have been ascertained in the context of this evaluation (PMID: 13680365, 35413289, 27537549). ClinVar contains an entry for this variant (Variation ID: 1338404). Based on the evidence outlined above, the variant was classified as VUS-possibly pathogenic.

Labcorp Genetics (formerly Invitae), Labcorp
Classification: Uncertain significance. Last evaluated: 2024-01-19. Review status: criteria provided, single submitter. Criteria: Invitae Variant Classification Sherloc (09022015). Collection method: clinical testing. Allele origin: germline.
Comment: This sequence change replaces leucine, which is neutral and non-polar, with proline, which is neutral and non-polar, at codon 9 of the TYR protein (p.Leu9Pro). This variant is present in population databases (no rsID available, gnomAD 0.01%). This missense change has been observed in individual(s) with ocular albinism (PMID: 13680365). In at least one individual the data is consistent with being in trans (on the opposite chromosome) from a pathogenic variant. ClinVar contains an entry for this variant (Variation ID: 1338404). Advanced modeling of protein sequence and biophysical properties (such as structural, functional, and spatial information, amino acid conservation, physicochemical variation, residue mobility, and thermodynamic stability) has been performed at Invitae for this missense variant, however the output from this modeling did not meet the statistical confidence thresholds required to predict the impact of this variant on TYR protein function. Experimental studies have shown that this missense change affects TYR function (PMID: 27537549). In summary, the available evidence is currently insufficient to determine the role of this variant in disease. Therefore, it has been classified as a Variant of Uncertain Significance.

Genetic Services Laboratory, University of Chicago
Classification: Uncertain significance. Last evaluated: 2018-05-01. Review status: criteria provided, single submitter. Criteria: ACMG Guidelines, 2015. Collection method: clinical testing. Allele origin: germline. Affected: no.

Literature cited by the submitters: PubMed 13680365 (cited by 3 submitters); PubMed 27537549 (cited by 3 submitters); PubMed 35413289 (cited by Myriad Genetics, Inc. and Women's Health and Genetics/Laboratory Corporation of America, LabCorp).

NM_000372.5(TYR):c.26T>C (p.Leu9Pro)

Gene: TYR (tyrosinase; plus strand). Cytogenetic location: 11q14.3.
Variant type: single nucleotide variant.
Coding change: c.26T>C on transcript NM_000372.5 (MANE Select); coding-DNA position 26, T replaced by C.
Protein change: p.Leu9Pro; replaces leucine 9 with proline.
Molecular consequence: missense variant.
Genome position (GRCh38, 1-based): chr11:89,177,979, T>C. VCF-style: chr11-89177979-T-C. GRCh37 (hg19) VCF-style: chr11-88911147-T-C.
Other names: short protein forms L9P.
Identifiers: ClinVar variation 1338404 (VCV001338404.10), dbSNP rs1238837002, ClinGen allele CA382033005.